The following is an entry in ClinVar:

NM_002230.4(JUP):c.1260C>G (p.Cys420Trp)

Gene: JUP (junction plakoglobin; minus strand). Cytogenetic location: 17q21.2.
Variant type: single nucleotide variant.
Coding change: c.1260C>G on transcript NM_002230.4 (MANE Select); coding-DNA position 1260, C replaced by G.
Protein change: p.Cys420Trp; replaces cysteine 420 with tryptophan.
Molecular consequence: missense variant.
Genome position (GRCh38, 1-based): chr17:41,763,220, G>C on the plus strand (C>G on the coding strand, the complement: JUP is on the minus strand). VCF-style: chr17-41763220-G-C. GRCh37 (hg19) VCF-style: chr17-39919472-G-C.
Other names: c.1260C>G, p.Cys420Trp (NM_001352773.2, NM_001352774.2, NM_001352775.2 and 3 more transcripts); short protein forms C420W.
Identifiers: ClinVar variation 1762962 (VCV001762962.2), dbSNP rs781832261, ClinGen allele CA290698953.

ClinVar aggregate classification (germline): Uncertain significance (1 of 4 stars; one submission).

Conditions:
Cardiovascular phenotype. Identifiers: MedGen CN230736.

gnomAD v4.1: 2 of 1,614,228 alleles (0.00012%); highest among the groups gnomAD compares: Non-Finnish European, 0.00017%; no homozygotes.

Submission:

Ambry Genetics
Classification: Uncertain significance for Cardiovascular phenotype. Last evaluated: 2022-06-09. Review status: criteria provided, single submitter. Criteria: Ambry Variant Classification Scheme 2023. Collection method: clinical testing. Allele origin: germline.
Comment: The p.C420W variant (also known as c.1260C>G), located in coding exon 7 of the JUP gene, results from a C to G substitution at nucleotide position 1260. The cysteine at codon 420 is replaced by tryptophan, an amino acid with highly dissimilar properties. This alteration has been reported in a dilated cardiomyopathy (DCM) cohort; however, clinical details were limited (Tobita T et al. Sci Rep, 2018 01;8:1998). This amino acid position is highly conserved in available vertebrate species. In addition, the in silico prediction for this alteration is inconclusive. Since supporting evidence is limited at this time, the clinical significance of this alteration remains unclear.

Literature cited by the submitters: PubMed 29386531.